The following is an entry in ClinVar:

ClinVar aggregate classification (germline): Uncertain significance (1 of 4 stars; one submission).

Conditions:
Neuropathy, hereditary sensory, type 2C. Also called: KIF1A-Related HSAN2 (HSAN2C); Hereditary sensory and autonomic neuropathy type IIC. Identifiers: Orphanet 970, MedGen C3280168, MONDO:0013634, OMIM 614213.
Intellectual disability, autosomal dominant 9 (NESCAVS). Also called: KIF1A-Related Neurodevelopmental Disorder; NESCAV SYNDROME. Identifiers: Orphanet 662367, MedGen C5393830, MONDO:0013656, OMIM 614255.
Hereditary spastic paraplegia 30. Identifiers: Orphanet 101010, MedGen C5235139, MONDO:0012476.

Submission:

Labcorp Genetics (formerly Invitae), Labcorp
Classification: Uncertain significance for Hereditary spastic paraplegia 30; Neuropathy, hereditary sensory, type 2C; Intellectual disability, autosomal dominant 9. Last evaluated: 2022-08-09. Review status: criteria provided, single submitter. Criteria: Invitae Variant Classification Sherloc (09022015). Collection method: clinical testing. Allele origin: germline.
Comment: This sequence change falls in intron 7 of the KIF1A gene. It does not directly change the encoded amino acid sequence of the KIF1A protein. It affects a nucleotide within the consensus splice site. In summary, the available evidence is currently insufficient to determine the role of this variant in disease. Therefore, it has been classified as a Variant of Uncertain Significance. Variants that disrupt the consensus splice site are a relatively common cause of aberrant splicing (PMID: 17576681, 9536098). Algorithms developed to predict the effect of sequence changes on RNA splicing suggest that this variant is not likely to affect RNA splicing. ClinVar contains an entry for this variant (Variation ID: 1354035). This variant has not been reported in the literature in individuals affected with KIF1A-related conditions. This variant is not present in population databases (gnomAD no frequency).

Literature cited by the submitters: PubMed 17576681; PubMed 9536098.

NM_001244008.2(KIF1A):c.799-3C>A

Gene: KIF1A (kinesin family member 1A; minus strand). Cytogenetic location: 2q37.3.
Variant type: single nucleotide variant.
Coding change: c.799-3C>A on transcript NM_001244008.2 (MANE Select); 3 bases into the intron before coding-DNA position 799, C replaced by A.
Molecular consequence: intron variant.
Genome position (GRCh38, 1-based): chr2:240,783,112, G>T on the plus strand (C>A on the coding strand, the complement: KIF1A is on the minus strand). VCF-style: chr2-240783112-G-T. GRCh37 (hg19) VCF-style: chr2-241722529-G-T.
Other names: c.799-3C>A (NM_001379653.1, NM_001379650.1, NM_001379645.1 and 20 more transcripts).
Identifiers: ClinVar variation 1354035 (VCV001354035.6), dbSNP rs772721638, ClinGen allele CA2573135682.
Genomic context (GRCh38, chr2:240,783,112, plus strand): 5'-CCAGGGCGGAGATGACCTTGCCCAGGGTGGTCAGCGACTTGTTGATGTTGGCCCCCTCCT[G>T]CGGGCAGAAAAGACAGTGGGGTTGGGATGCTGGGGACCCGTGGGGCCTCCTGCTCTGGAG-3'